The following is an entry in ClinVar:

NM_032242.4(PLXNA1):c.4035G>A (p.Met1345Ile)

Gene: PLXNA1 (plexin A1; plus strand). Cytogenetic location: 3q21.3.
Variant type: single nucleotide variant.
Coding change: c.4035G>A on transcript NM_032242.4 (MANE Select); coding-DNA position 4035, G replaced by A.
Protein change: p.Met1345Ile; replaces methionine 1345 with isoleucine.
Molecular consequence: missense variant.
Genome position (GRCh38, 1-based): chr3:127,020,341, G>A. VCF-style: chr3-127020341-G-A. GRCh37 (hg19) VCF-style: chr3-126739184-G-A.
Other names: short protein forms M1345I.
Identifiers: ClinVar variation 2632131 (VCV002632131.2), dbSNP rs1041891116, ClinGen allele CA83324787.

ClinVar aggregate classification (germline): Uncertain significance (1 of 4 stars; one submission).

Conditions:
PLXNA1-related disorder. Also called: PLXNA1-related condition.

Allele frequency attached by ClinVar (database versions not stated): gnomAD exomes below 0.00001; gnomAD 0.00002; TOPMed 0.00002.

Submission:

PreventionGenetics, part of Exact Sciences
Classification: Uncertain significance for PLXNA1-related condition. Last evaluated: 2025-09-15. Review status: criteria provided, single submitter. Criteria: ACMG Guidelines, 2015. Collection method: clinical testing. Allele origin: germline.
Comment: The PLXNA1 c.4035G>A variant is predicted to result in the amino acid substitution p.Met1345Ile. To our knowledge, this variant has not been reported in the literature. This variant is reported in 0.0029% of alleles in individuals of Latino descent in gnomAD. At this time, the clinical significance of this variant is uncertain due to the absence of conclusive functional and genetic evidence.